The following is an entry in ClinVar:

ClinVar aggregate classification (germline): Uncertain significance (1 of 4 stars; one submission).

Conditions:
Primary ciliary dyskinesia. Also called: Ciliary dyskinesia. Identifiers: Orphanet 244, MedGen C0008780, MONDO:0016575, HP:0012265.

Allele frequency attached by ClinVar (database versions not stated): gnomAD exomes below 0.00001.
gnomAD v4.1: 2 of 1,614,178 alleles (0.00012%); highest among the groups gnomAD compares: Non-Finnish European, 0.00017%; no homozygotes.

Submission:

Labcorp Genetics (formerly Invitae), Labcorp
Classification: Uncertain significance for Primary ciliary dyskinesia. Last evaluated: 2022-05-04. Review status: criteria provided, single submitter. Criteria: Invitae Variant Classification Sherloc (09022015). Collection method: clinical testing. Allele origin: germline.
Comment: This sequence change replaces arginine, which is basic and polar, with glycine, which is neutral and non-polar, at codon 1064 of the DNAH5 protein (p.Arg1064Gly). This variant is not present in population databases (gnomAD no frequency). This variant has not been reported in the literature in individuals affected with DNAH5-related conditions. Advanced modeling of protein sequence and biophysical properties (such as structural, functional, and spatial information, amino acid conservation, physicochemical variation, residue mobility, and thermodynamic stability) performed at Invitae indicates that this missense variant is not expected to disrupt DNAH5 protein function. In summary, the available evidence is currently insufficient to determine the role of this variant in disease. Therefore, it has been classified as a Variant of Uncertain Significance.

NM_001369.3(DNAH5):c.3190A>G (p.Arg1064Gly)

Genes: DNAH5 (dynein axonemal heavy chain 5; minus strand), DNAH5-AS1 (DNAH5 antisense RNA 1; plus strand). Cytogenetic location: 5p15.2.
Variant type: single nucleotide variant.
Coding change: c.3190A>G on transcript NM_001369.3 (MANE Select); coding-DNA position 3190, A replaced by G.
Protein change: p.Arg1064Gly; replaces arginine 1064 with glycine.
Molecular consequence: missense variant.
Genome position (GRCh38, 1-based): chr5:13,882,800, T>C on the plus strand (A>G on the coding strand, the complement: DNAH5 is on the minus strand). VCF-style: chr5-13882800-T-C. GRCh37 (hg19) VCF-style: chr5-13882909-T-C.
Other names: short protein forms R1064G.
Identifiers: ClinVar variation 1969861 (VCV001969861.2), dbSNP rs2547030314, ClinGen allele CA359192444.